The following is an entry in ClinVar:

NM_001042492.3(NF1):c.6344C>T (p.Pro2115Leu)

Gene: NF1 (neurofibromin 1; plus strand). Cytogenetic location: 17q11.2.
Variant type: single nucleotide variant.
Coding change: c.6344C>T on transcript NM_001042492.3 (MANE Select); coding-DNA position 6344, C replaced by T.
Protein change: p.Pro2115Leu; replaces proline 2115 with leucine.
Molecular consequence: missense variant.
Genome position (GRCh38, 1-based): chr17:31,336,831, C>T. VCF-style: chr17-31336831-C-T. GRCh37 (hg19) VCF-style: chr17-29663849-C-T.
Other names: c.6281C>T, p.Pro2094Leu (NM_000267.4); short protein forms P2094L, P2115L.
Identifiers: ClinVar variation 1041292 (VCV001041292.9), dbSNP rs867091831, ClinGen allele CA289386315.

ClinVar aggregate classification (germline): Uncertain significance. Review status: criteria provided, multiple submitters, no conflicts (2 of 4 stars). 3 submissions from 3 submitters: Uncertain significance (3). Last evaluated 2025-05-08.

Conditions:
Hereditary cancer-predisposing syndrome. Also called: Hereditary neoplastic syndrome; Neoplastic Syndromes, Hereditary; Tumor predisposition; Hereditary Cancer Syndrome. Identifiers: Orphanet 140162, MedGen C0027672, MeSH D009386, MONDO:0015356.
Cardiovascular phenotype. Identifiers: MedGen CN230736.
Neurofibromatosis, type 1 (NF1). Also called: VON RECKLINGHAUSEN DISEASE; NEUROFIBROMATOSIS, TYPE I, SOMATIC; Peripheral type neurofibromatosis; Neurofibromatosis, type I. Identifiers: Orphanet 636, MedGen C0027831, MONDO:0018975, OMIM 162200. Disease mechanism: loss of function.

Allele frequency attached by ClinVar (database versions not stated): gnomAD exomes below 0.00001.
gnomAD v4.1: 1 of 1,613,910 alleles (0.000062%); highest among the groups gnomAD compares: Non-Finnish European, 0.000085%; no homozygotes.

Submissions (3):

Ambry Genetics
Classification: Uncertain significance for Cardiovascular phenotype; Hereditary cancer-predisposing syndrome. Last evaluated: 2025-05-08. Review status: criteria provided, single submitter. Criteria: Ambry Variant Classification Scheme 2023. Collection method: clinical testing. Allele origin: germline.
Comment: The p.P2094L variant (also known as c.6281C>T), located in coding exon 41 of the NF1 gene, results from a C to T substitution at nucleotide position 6281. The proline at codon 2094 is replaced by leucine, an amino acid with similar properties. This amino acid position is highly conserved in available vertebrate species. In addition, this alteration is predicted to be deleterious by in silico analysis. Since supporting evidence is limited at this time, the clinical significance of this alteration remains unclear.

GeneDx
Classification: Uncertain significance. Last evaluated: 2025-02-26. Review status: criteria provided, single submitter. Criteria: GeneDx Variant Classification Process June 2021. Collection method: clinical testing. Allele origin: germline. Affected: yes.
Comment: Not observed at significant frequency in large population cohorts (gnomAD); In silico analysis supports that this missense variant has a deleterious effect on protein structure/function; Has not been previously published as pathogenic or benign to our knowledge

Labcorp Genetics (formerly Invitae), Labcorp
Classification: Uncertain significance for Neurofibromatosis, type 1. Last evaluated: 2023-06-20. Review status: criteria provided, single submitter. Criteria: Invitae Variant Classification Sherloc (09022015). Collection method: clinical testing. Allele origin: germline.
Comment: ClinVar contains an entry for this variant (Variation ID: 1041292). This variant has not been reported in the literature in individuals affected with NF1-related conditions. This variant is not present in population databases (gnomAD no frequency). This sequence change replaces proline, which is neutral and non-polar, with leucine, which is neutral and non-polar, at codon 2094 of the NF1 protein (p.Pro2094Leu). Advanced modeling of protein sequence and biophysical properties (such as structural, functional, and spatial information, amino acid conservation, physicochemical variation, residue mobility, and thermodynamic stability) performed at Invitae indicates that this missense variant is expected to disrupt NF1 protein function. In summary, the available evidence is currently insufficient to determine the role of this variant in disease. Therefore, it has been classified as a Variant of Uncertain Significance.